The following is an entry in ClinVar:

ClinVar aggregate classification (germline): Uncertain significance (1 of 4 stars; one submission).

Conditions:
Hereditary cancer-predisposing syndrome. Also called: Neoplastic Syndromes, Hereditary; Tumor predisposition; Hereditary neoplastic syndrome; Hereditary Cancer Syndrome. Identifiers: Orphanet 140162, MedGen C0027672, MeSH D009386, MONDO:0015356.

Submission:

Ambry Genetics
Classification: Uncertain significance for Hereditary cancer-predisposing syndrome. Last evaluated: 2023-12-13. Review status: criteria provided, single submitter. Criteria: Ambry Variant Classification Scheme 2023. Collection method: clinical testing. Allele origin: germline.
Comment: The p.E448V variant (also known as c.1343A>T), located in coding exon 8 of the MEN1 gene, results from an A to T substitution at nucleotide position 1343. The glutamic acid at codon 448 is replaced by valine, an amino acid with dissimilar properties. This amino acid position is conserved. In addition, the in silico prediction for this alteration is inconclusive. Since supporting evidence is limited at this time, the clinical significance of this alteration remains unclear.

NM_001370259.2(MEN1):c.1343A>T (p.Glu448Val)

Gene: MEN1 (menin 1; minus strand). Cytogenetic location: 11q13.1.
Variant type: single nucleotide variant.
Coding change: c.1343A>T on transcript NM_001370259.2 (MANE Select); coding-DNA position 1343, A replaced by T.
Protein change: p.Glu448Val; replaces glutamic acid 448 with valine.
Molecular consequence: missense variant. On other transcripts: non-coding transcript variant (4), intron variant (1).
Genome position (GRCh38, 1-based): chr11:64,805,041, T>A on the plus strand (A>T on the coding strand, the complement: MEN1 is on the minus strand). VCF-style: chr11-64805041-T-A. GRCh37 (hg19) VCF-style: chr11-64572513-T-A.
Other names: c.1358A>T, p.Glu453Val (NM_000244.4, NM_001407145.1, NM_130800.3 and 4 more transcripts); c.1469A>T, p.Glu490Val (NM_001370251.2, NM_001407142.1, NM_001407143.1 and 1 more transcripts); c.1343A>T, p.Glu448Val (NM_001370260.2, NM_001370261.2, NM_001407146.1 and 2 more transcripts); c.1238A>T, p.Glu413Val (NM_001370262.2, NM_001370263.2, NM_001407148.1 and 1 more transcripts); c.1484A>T, p.Glu495Val (NM_001407150.1); c.1364A>T, p.Glu455Val (NM_001407151.1); c.1186-225A>T (NM_001407152.1); short protein forms E413V, E448V, E453V, E455V, E490V, E495V.
Identifiers: ClinVar variation 3229057 (VCV003229057.1), dbSNP rs1403979771, ClinGen allele CA381180048.